The following is an entry in ClinVar:

ClinVar aggregate classification (germline): Benign/Likely benign. Review status: criteria provided, multiple submitters, no conflicts (2 of 4 stars). 10 submissions from 10 submitters: Benign (4); Likely benign (5). 1 of the submissions does not count toward it. Last evaluated 2026-01-28.

Conditions:
Melnick-Needles syndrome (MNS). Also called: MELNICK-NEEDLES OSTEODYSPLASTY; Melnick-Needles Syndrome (FLNA-MNS); OSTEODYSPLASTY OF MELNICK AND NEEDLES. Identifiers: Orphanet 2484, MedGen C0025237, MONDO:0010650, OMIM 309350.
Heterotopia, periventricular, X-linked dominant (PVNH1). Also called: PERIVENTRICULAR NODULAR HETEROTOPIA 4; HETEROTOPIA, PERIVENTRICULAR, 1; X-linked periventricular heterotopia; PERIVENTRICULAR NODULAR HETEROTOPIA 1. Identifiers: Orphanet 2149, Orphanet 82004, MedGen C1848213, MONDO:0010233, OMIM 300049.
Oto-palato-digital syndrome, type II (OPD2). Also called: FACIOPALATOOSSEOUS SYNDROME; Otopalatodigital Syndrome, Type II; Otopalatodigital Syndrome Type 2 (FLNA-OPD2); OPD II SYNDROME. Identifiers: Orphanet 669, Orphanet 90652, MedGen C1844696, MONDO:0010571, OMIM 304120.
Frontometaphyseal dysplasia (FMD1). Identifiers: Orphanet 1826, MedGen C0265293, MONDO:0015942.
FLNA-related disorder.
Familial thoracic aortic aneurysm and aortic dissection (TAAD). Also called: Thoracic aortic aneurysms and dissections. Identifiers: Orphanet 91387, MedGen C4707243, MONDO:0019625.
FG syndrome 2 (FGS2). Identifiers: MedGen C1845902, MONDO:0010297, OMIM 300321.
Intestinal pseudoobstruction, neuronal, chronic idiopathic, X-linked (CIIPX). Also called: FLNA-Related Periventricular Nodular Heterotopia (FLNA-Related PVNH; Huttenlocher Syndrome); CONGENITAL IDIOPATHIC INTESTINAL PSEUDOOBSTRUCTION; INTESTINAL PSEUDOOBSTRUCTION, NEURONAL, CHRONIC IDIOPATHIC, WITH CENTRAL NERVOUS SYSTEM INVOLVEMENT. Identifiers: Orphanet 2301, MedGen C2746068, MONDO:0010232, OMIM 300048.
Cardiac valvular dysplasia, X-linked (CVDPX). Also called: Congenital valvular dysplasia; Isolated X-Linked Cardiac Valvular Dysplasia; FLNA-Related X-linked Cardiac Valvular Dysplasia; MYXOMATOUS VALVULAR DYSTROPHY, X-LINKED; VALVULAR HEART DISEASE, CONGENITAL. Identifiers: Orphanet 1864, Orphanet 555877, Orphanet 75497, MedGen C0262436, MONDO:0010753, OMIM 314400.
Oto-palato-digital syndrome, type I (OPD1). Also called: Otopalatodigital Syndrome, Type I; Taybi syndrome; Otopalatodigital Syndrome Type 1 (FLNA-OPD1); OPD I SYNDROME; OPD SYNDROME 1. Identifiers: Orphanet 669, Orphanet 90650, MedGen C0265251, MONDO:0010704, OMIM 311300.
Terminal osseous dysplasia-pigmentary defects syndrome. Also called: Terminal Osseous Dysplasia (FLNA-TOD); ODPD; TERMINAL OSSEOUS DYSPLASIA AND PIGMENTARY DEFECTS; ODPF SYNDROME; OSSEOUS DYSPLASIA, DIGITAL, WITH FACIAL PIGMENTARY DEFECTS AND MULTIPLE FRENULA. Identifiers: Orphanet 88630, MedGen C1846129, MONDO:0010279, OMIM 300244.
Frontometaphyseal dysplasia 1 (FMD1). Also called: Frontometaphyseal Dysplasia (FLNA-FMD). Identifiers: Orphanet 1826, MedGen C4281559, MONDO:0024550, OMIM 305620.

Allele frequency attached by ClinVar (database versions not stated): ESP Exome Variant Server 0.00010; TOPMed 0.00029.
gnomAD v4.1: 146 of 1,210,618 alleles (0.012%); highest among the groups gnomAD compares: Admixed American, 0.043%; no homozygotes.

Submissions (10):

Labcorp Genetics (formerly Invitae), Labcorp
Classification: Benign for Oto-palato-digital syndrome, type II; Heterotopia, periventricular, X-linked dominant; Frontometaphyseal dysplasia; Melnick-Needles syndrome. Last evaluated: 2026-01-28. Review status: criteria provided, single submitter. Criteria: Invitae Variant Classification Sherloc (09022015). Collection method: clinical testing. Allele origin: germline.

CeGaT Center for Human Genetics Tuebingen
Classification: Likely benign. Last evaluated: 2025-11-01. Review status: criteria provided, single submitter. Criteria: CeGaT Center For Human Genetics Tuebingen Variant Classification Criteria Version 2. Collection method: clinical testing. Allele origin: germline. Affected: yes. Observed: 2 variant alleles.
Comment: FLNA: BP4, BP7, BS2

Blueprint Genetics
Classification: Likely benign. Last evaluated: 2024-11-26. Review status: criteria provided, single submitter. Criteria: ACMG Guidelines, 2015. Collection method: clinical testing. Allele origin: germline.

Women's Health and Genetics/Laboratory Corporation of America, LabCorp
Classification: Benign. Last evaluated: 2023-07-21. Review status: criteria provided, single submitter. Criteria: LabCorp Variant Classification Summary - May 2015. Collection method: clinical testing. Allele origin: germline.

Fulgent Genetics
Classification: Likely benign for Intestinal pseudoobstruction, neuronal, chronic idiopathic, X-linked; Heterotopia, periventricular, X-linked dominant; Terminal osseous dysplasia-pigmentary defects syndrome; FG syndrome 2; Oto-palato-digital syndrome, type II; Frontometaphyseal dysplasia 1; Melnick-Needles syndrome; Oto-palato-digital syndrome, type I; Cardiac valvular dysplasia, X-linked. Last evaluated: 2022-04-28. Review status: criteria provided, single submitter. Criteria: ACMG Guidelines, 2015. Collection method: clinical testing. Allele origin: unknown.

Ambry Genetics
Classification: Likely benign for Familial thoracic aortic aneurysm and aortic dissection. Last evaluated: 2017-12-03. Review status: criteria provided, single submitter. Criteria: Ambry Variant Classification Scheme 2023. Collection method: clinical testing. Allele origin: germline.

Athena Diagnostics
Classification: Benign. Last evaluated: 2017-09-25. Review status: criteria provided, single submitter. Criteria: Athena Diagnostics Criteria. Collection method: clinical testing. Allele origin: germline.

GeneDx
Classification: Benign. Last evaluated: 2015-05-07. Review status: criteria provided, single submitter. Criteria: GeneDx Variant Classification (06012015). Collection method: clinical testing. Allele origin: germline. Affected: yes.
Comment: This variant is considered likely benign or benign based on one or more of the following criteria: it is a conservative change, it occurs at a poorly conserved position in the protein, it is predicted to be benign by multiple in silico algorithms, and/or has population frequency not consistent with disease.

Breakthrough Genomics
Classification: Likely benign. Review status: criteria provided, single submitter. Criteria: ACMG Guidelines, 2015. Collection method: not provided. Allele origin: germline. Inheritance: X-linked inheritance. Affected: yes.

PreventionGenetics, part of Exact Sciences
Classification: Likely benign for FLNA-related condition. Last evaluated: 2019-12-18. Review status: no assertion criteria provided. Collection method: clinical testing. Allele origin: germline. Not counted in ClinVar's aggregate classification.
Comment: This variant is classified as likely benign based on ACMG/AMP sequence variant interpretation guidelines (Richards et al. 2015 PMID: 25741868, with internal and published modifications).

NM_001110556.2(FLNA):c.3387C>T (p.Thr1129=)

Gene: FLNA (filamin A; minus strand). Cytogenetic location: Xq28.
Variant type: single nucleotide variant.
Coding change: c.3387C>T on transcript NM_001110556.2 (MANE Select); coding-DNA position 3387, C replaced by T.
Protein change: p.Thr1129=; no amino-acid change (threonine 1129 retained).
Molecular consequence: synonymous variant.
Genome position (GRCh38, 1-based): chrX:154,360,408, G>A on the plus strand (C>T on the coding strand, the complement: FLNA is on the minus strand). VCF-style: chrX-154360408-G-A. GRCh37 (hg19) VCF-style: chrX-153588776-G-A.
Other names: p.T1129T:ACC>ACT; c.3387C>T, p.Thr1129= (NM_001456.4).
Identifiers: ClinVar variation 213445 (VCV000213445.26), dbSNP rs372874251, ClinGen allele CA325218.